The following is an entry in ClinVar:

NM_001379500.1(COL18A1):c.107-12490G>A

Gene: COL18A1 (collagen type XVIII alpha 1 chain; plus strand). Cytogenetic location: 21q22.3.
Variant type: single nucleotide variant.
Coding change: c.107-12490G>A on transcript NM_001379500.1 (MANE Select); 12490 bases into the intron before coding-DNA position 107, G replaced by A.
Molecular consequence: intron variant. On other transcripts: synonymous variant (2).
Genome position (GRCh38, 1-based): chr21:45,455,752, G>A. VCF-style: chr21-45455752-G-A. GRCh37 (hg19) VCF-style: chr21-46875666-G-A.
Other names: c.222G>A, p.Ala74= (NM_030582.4, NM_130444.3); c.222G>A (NM_030582.3).
Identifiers: ClinVar variation 1645357 (VCV001645357.11), dbSNP rs768003538, ClinGen allele CA10065413.
Genomic context (GRCh38, chr21:45,455,752, plus strand): 5'-GCAGCCCACAGCAGATACCACCACACACGTGACCCCCCGGAATGGTTCCACAGAGCCAGC[G>A]ACAGCCCCTGGCAGCCCTGAGCCACCCTCAGAGCTGCTGGAAGATGGCCAGGACACCCCC-3'

ClinVar aggregate classification (germline): Likely benign. Review status: criteria provided, multiple submitters, no conflicts (2 of 4 stars). 3 submissions from 3 submitters: Likely benign (2). 1 of the submissions does not count toward it. Last evaluated 2025-11-26.

Conditions:
COL18A1-related disorder. Also called: COL18A1-related disorders; COL18A1-related condition.

Allele frequency attached by ClinVar (database versions not stated): ExAC 0.00003; gnomAD exomes 0.00003 and 0.00008; gnomAD 0.00005 and 0.00006.
gnomAD v4.1: 126 of 1,613,744 alleles (0.0078%); highest among the groups gnomAD compares: Middle Eastern, 0.016%; no homozygotes.

Submissions (3):

Labcorp Genetics (formerly Invitae), Labcorp
Classification: Likely benign. Last evaluated: 2025-11-26. Review status: criteria provided, single submitter. Criteria: Invitae Variant Classification Sherloc (09022015). Collection method: clinical testing. Allele origin: germline.

Blueprint Genetics
Classification: Likely benign. Last evaluated: 2023-09-13. Review status: criteria provided, single submitter. Criteria: ACMG Guidelines, 2015. Collection method: clinical testing. Allele origin: germline.

PreventionGenetics, part of Exact Sciences
Classification: Likely benign for COL18A1-related condition. Last evaluated: 2023-02-20. Review status: no assertion criteria provided. Collection method: clinical testing. Allele origin: germline. Not counted in ClinVar's aggregate classification.
Comment: This variant is classified as likely benign based on ACMG/AMP sequence variant interpretation guidelines (Richards et al. 2015 PMID: 25741868, with internal and published modifications).